The following is an entry in ClinVar:

ClinVar aggregate classification (germline): Uncertain significance (1 of 4 stars; one submission).

Submission:

GeneDx
Classification: Uncertain significance. Last evaluated: 2025-09-10. Review status: criteria provided, single submitter. Criteria: GeneDx Variant Classification Process June 2021. Collection method: clinical testing. Allele origin: germline.
Comment: In silico analysis supports that this missense variant has a deleterious effect on protein structure/function; Has not been previously published as pathogenic or benign to our knowledge

NM_017635.5(KMT5B):c.1115A>T (p.Asp372Val)

Gene: KMT5B (lysine methyltransferase 5B; minus strand). Cytogenetic location: 11q13.2.
Variant type: single nucleotide variant.
Coding change: c.1115A>T on transcript NM_017635.5 (MANE Select); coding-DNA position 1115, A replaced by T.
Protein change: p.Asp372Val; replaces aspartic acid 372 with valine.
Molecular consequence: missense variant. On other transcripts: non-coding transcript variant (3).
Genome position (GRCh38, 1-based): chr11:68,167,041, T>A on the plus strand (A>T on the coding strand, the complement: KMT5B is on the minus strand). VCF-style: chr11-68167041-T-A. GRCh37 (hg19) VCF-style: chr11-67934508-T-A.
Other names: c.599A>T, p.Asp200Val (NM_001300907.1, NM_001369424.1, NM_001369428.1 and 5 more transcripts); c.395A>T, p.Asp132Val (NM_001300908.2); c.1046A>T, p.Asp349Val (NM_001300909.2); c.1115A>T, p.Asp372Val (NM_001363566.2, NM_001369426.1, NM_001369427.1 and 1 more transcripts); c.902A>T, p.Asp301Val (NM_001369425.1); short protein forms D132V, D200V, D301V, D349V, D372V.
Identifiers: ClinVar variation 3367605 (VCV003367605.2).
Genomic context (GRCh38, chr11:68,167,041, plus strand): 5'-CTTGCATTGTTTTTTTCCTGAGTGGTATCTGCATCAGTGTTAGAGCTGACAGATTGACTG[T>A]CTGAATTTTTGCTGCTGTCACCTAACTTTTTAAGCCTATTTAAACGTTTATCTGTTTCTC-3'
Protein context (NP_060105.3, residues 362-382): KKLGDSSKNS[Asp372Val]SQSVSSNTDA